The following is an entry in ClinVar:

ClinVar aggregate classification (germline): Uncertain significance (1 of 4 stars; one submission).

Allele frequency attached by ClinVar (database versions not stated): TOPMed below 0.00001.
gnomAD v4.1: 2 of 1,614,000 alleles (0.00012%); highest among the groups gnomAD compares: Non-Finnish European, 0.00017%; no homozygotes.

Submission:

Labcorp Genetics (formerly Invitae), Labcorp
Classification: Uncertain significance. Last evaluated: 2023-12-06. Review status: criteria provided, single submitter. Criteria: Invitae Variant Classification Sherloc (09022015). Collection method: clinical testing. Allele origin: germline.
Comment: This sequence change replaces glycine, which is neutral and non-polar, with valine, which is neutral and non-polar, at codon 963 of the ATP8A2 protein (p.Gly963Val). This variant is not present in population databases (gnomAD no frequency). This variant has not been reported in the literature in individuals affected with ATP8A2-related conditions. ClinVar contains an entry for this variant (Variation ID: 1996753). Advanced modeling of protein sequence and biophysical properties (such as structural, functional, and spatial information, amino acid conservation, physicochemical variation, residue mobility, and thermodynamic stability) performed at Invitae indicates that this missense variant is not expected to disrupt ATP8A2 protein function with a negative predictive value of 80%. In summary, the available evidence is currently insufficient to determine the role of this variant in disease. Therefore, it has been classified as a Variant of Uncertain Significance.

NM_016529.6(ATP8A2):c.2888G>T (p.Gly963Val)

Gene: ATP8A2 (ATPase phospholipid transporting 8A2). Cytogenetic location: 13q12.13.
Variant type: single nucleotide variant.
Coding change: c.2888G>T on transcript NM_016529.6 (MANE Select); coding-DNA position 2888, G replaced by T.
Protein change: p.Gly963Val; replaces glycine 963 with valine.
Molecular consequence: missense variant.
Genome position (GRCh38, 1-based): chr13:25,839,556, G>T. VCF-style: chr13-25839556-G-T. GRCh37 (hg19) VCF-style: chr13-26413694-G-T.
Other names: c.2693G>T, p.Gly898Val (NM_001313741.1); c.2813G>T, p.Gly938Val (NM_001411005.1); c.2888G>T, p.Gly963Val (NM_001411006.1); short protein forms G938V, G963V, G898V.
Identifiers: ClinVar variation 1996753 (VCV001996753.4), dbSNP rs1951706888, ClinGen allele CA387683226.